The following is an entry in ClinVar:

ClinVar aggregate classification (germline): Uncertain significance. Review status: criteria provided, multiple submitters, no conflicts (2 of 4 stars). 2 submissions from 2 submitters: Uncertain significance (2). Last evaluated 2023-11-27.

Allele frequency attached by ClinVar (database versions not stated): TOPMed 0.00008.
gnomAD v4.1: 30 of 1,551,456 alleles (0.0019%); highest among the groups gnomAD compares: Admixed American, 0.041%; no homozygotes.

Submissions (2):

Labcorp Genetics (formerly Invitae), Labcorp
Classification: Uncertain significance. Last evaluated: 2023-11-27. Review status: criteria provided, single submitter. Criteria: Invitae Variant Classification Sherloc (09022015). Collection method: clinical testing. Allele origin: germline.
Comment: This sequence change replaces valine, which is neutral and non-polar, with isoleucine, which is neutral and non-polar, at codon 289 of the KPNA7 protein (p.Val289Ile). This variant is present in population databases (no rsID available, gnomAD 0.03%). This variant has not been reported in the literature in individuals affected with KPNA7-related conditions. ClinVar contains an entry for this variant (Variation ID: 863010). Advanced modeling of protein sequence and biophysical properties (such as structural, functional, and spatial information, amino acid conservation, physicochemical variation, residue mobility, and thermodynamic stability) performed at Invitae indicates that this missense variant is not expected to disrupt KPNA7 protein function with a negative predictive value of 80%. In summary, the available evidence is currently insufficient to determine the role of this variant in disease. Therefore, it has been classified as a Variant of Uncertain Significance.

Ambry Genetics
Classification: Uncertain significance. Last evaluated: 2023-08-02. Review status: criteria provided, single submitter. Criteria: Ambry Variant Classification Scheme 2023. Collection method: clinical testing. Allele origin: germline.

NM_001145715.3(KPNA7):c.865G>A (p.Val289Ile)

Gene: KPNA7 (karyopherin subunit alpha 7; minus strand). Cytogenetic location: 7q22.1.
Variant type: single nucleotide variant.
Coding change: c.865G>A on transcript NM_001145715.3 (MANE Select); coding-DNA position 865, G replaced by A.
Protein change: p.Val289Ile; replaces valine 289 with isoleucine.
Molecular consequence: missense variant.
Genome position (GRCh38, 1-based): chr7:99,188,335, C>T on the plus strand (G>A on the coding strand, the complement: KPNA7 is on the minus strand). VCF-style: chr7-99188335-C-T. GRCh37 (hg19) VCF-style: chr7-98785958-C-T.
Other names: short protein forms V289I.
Identifiers: ClinVar variation 863010 (VCV000863010.8), dbSNP rs191355534, ClinGen allele CA163745792.